The following is an entry in ClinVar:

NM_001267550.2(TTN):c.64094-1G>C

Genes: TTN-AS1 (TTN antisense RNA 1; plus strand), TTN (titin; minus strand). Cytogenetic location: 2q31.2.
Variant type: single nucleotide variant.
Coding change: c.64094-1G>C on transcript NM_001267550.2 (MANE Select); the canonical splice acceptor site of the intron before coding-DNA position 64094, G replaced by C.
Molecular consequence: splice acceptor variant.
Genome position (GRCh38, 1-based): chr2:178,586,808, C>G on the plus strand (G>C on the coding strand, the complement: TTN is on the minus strand). VCF-style: chr2-178586808-C-G. GRCh37 (hg19) VCF-style: chr2-179451535-C-G.
Other names: c.36899-1G>C (NM_003319.4); c.37475-1G>C (NM_133437.4); c.37274-1G>C (NM_133432.3); c.56390-1G>C (NM_133378.4); c.59171-1G>C (NM_001256850.1).
Identifiers: ClinVar variation 1067584 (VCV001067584.9), dbSNP rs2154181635, ClinGen allele CA349443997.
Genomic context (GRCh38, chr2:178,586,808, plus strand): 5'-AGGTGGCACTGTTCTTGGTCATTTCAGTCACTTCTAATTTCCTTGGGGGATCCGGCTCAC[C>G]TAGAAGAAAAACATAATTTAGAAGATTACCTAGGTAACCTAATCAAATCCCCTTTGTTAA-3'

ClinVar aggregate classification (germline): Likely pathogenic (1 of 4 stars; one submission).

Conditions:
Dilated cardiomyopathy 1G (CMD1G). Identifiers: Orphanet 154, MedGen C1858763, MONDO:0011400, OMIM 604145.
Autosomal recessive limb-girdle muscular dystrophy type 2J (LGMDR10). Also called: Limb-girdle muscular dystrophy, type 2J; MUSCULAR DYSTROPHY, LIMB-GIRDLE, AUTOSOMAL RECESSIVE 10. Identifiers: Orphanet 140922, MedGen C1837342, MONDO:0012127, OMIM 608807.

Submission:

Labcorp Genetics (formerly Invitae), Labcorp
Classification: Likely pathogenic for Dilated cardiomyopathy 1G; Autosomal recessive limb-girdle muscular dystrophy type 2J. Last evaluated: 2022-07-06. Review status: criteria provided, single submitter. Criteria: Invitae Variant Classification Sherloc (09022015). Collection method: clinical testing. Allele origin: germline.
Comment: This variant has not been reported in the literature in individuals affected with TTN-related conditions. This variant is not present in population databases (gnomAD no frequency). This sequence change affects an acceptor splice site in intron 307 of the TTN gene. It is expected to disrupt RNA splicing and likely results in a truncated or disrupted TTN protein. ClinVar contains an entry for this variant (Variation ID: 1067584). In summary, the currently available evidence indicates that the variant is pathogenic, but additional data are needed to prove that conclusively. Therefore, this variant has been classified as Likely Pathogenic. This variant is located in the A band of TTN (PMID: 25589632). Truncating variants in this region are significantly overrepresented in patients affected with dilated cardiomyopathy (PMID: 25589632). Truncating variants in this region have also been reported in individuals affected with autosomal recessive centronuclear myopathy (PMID: 23975875). Algorithms developed to predict the effect of sequence changes on RNA splicing suggest that this variant may disrupt the consensus splice site.

Literature cited by the submitters: PubMed 25589632; PubMed 23975875.